The following is an entry in ClinVar:

ClinVar aggregate classification (germline): Benign. Review status: criteria provided, multiple submitters, no conflicts (2 of 4 stars). 8 submissions from 8 submitters: Benign (7). 1 of the submissions does not count toward it. Last evaluated 2026-02-03.

Conditions:
Charcot-Marie-Tooth disease. Also called: Charcot-Marie-Tooth Hereditary Neuropathy; Charcot-Marie-Tooth Neuropathy. Identifiers: Orphanet 166, MedGen C0007959, MONDO:0015626.
Charcot-Marie-Tooth Neuropathy X. Identifiers: MedGen CN118851.
Combined oxidative phosphorylation deficiency. Identifiers: MedGen C4540031, MONDO:0000732.
Severe X-linked mitochondrial encephalomyopathy. Also called: ENCEPHALOMYOPATHY, MITOCHONDRIAL, X-LINKED. Identifiers: Orphanet 238329, MedGen C3151753, MONDO:0010437, OMIM 300816.

Allele frequency attached by ClinVar (database versions not stated): gnomAD exomes 0.00390 and 0.00997; ExAC 0.01223; gnomAD 0.02865 and 0.03061; 1000 Genomes Project 30x 0.02518; 1000 Genomes Project 0.02781; TOPMed 0.03315; ESP Exome Variant Server 0.03588.
gnomAD v4.1: 7,635 of 1,208,827 alleles (0.63%); highest among the groups gnomAD compares: African/African-American, 9.4%; 208 homozygotes.

Submissions (8):

Labcorp Genetics (formerly Invitae), Labcorp
Classification: Benign for Charcot-Marie-Tooth Neuropathy X; Combined oxidative phosphorylation deficiency. Last evaluated: 2026-02-03. Review status: criteria provided, single submitter. Criteria: Invitae Variant Classification Sherloc (09022015). Collection method: clinical testing. Allele origin: germline.

ARUP Laboratories, Molecular Genetics and Genomics, ARUP Laboratories
Classification: Benign. Last evaluated: 2023-11-21. Review status: criteria provided, single submitter. Criteria: ARUP Molecular Germline Variant Investigation Process 2024. Collection method: clinical testing. Allele origin: germline.

Athena Diagnostics
Classification: Benign. Last evaluated: 2018-08-30. Review status: criteria provided, single submitter. Criteria: Athena Diagnostics Criteria. Collection method: clinical testing. Allele origin: germline.

Illumina Laboratory Services, Illumina
Classification: Benign for Severe X-linked mitochondrial encephalomyopathy. Last evaluated: 2018-01-13. Review status: criteria provided, single submitter. Criteria: ICSL Variant Classification Criteria 13 December 2019. Collection method: clinical testing. Allele origin: germline.
Comment: This variant was observed in the ICSL laboratory as part of a predisposition screen in an ostensibly healthy population. It had not been previously curated by ICSL or reported in the Human Gene Mutation Database (HGMD: prior to June 1st, 2018), and was therefore a candidate for classification through an automated scoring system. Utilizing variant allele frequency, disease prevalence and penetrance estimates, and inheritance mode, an automated score was calculated to assess if this variant is too frequent to cause the disease. Based on the score and internal cut-off values, a variant classified as benign is not then subjected to further curation. The score for this variant resulted in a classification of benign for this disease.

GeneDx
Classification: Benign. Last evaluated: 2013-03-20. Review status: criteria provided, single submitter. Criteria: GeneDx Variant Classification (06012015). Collection method: clinical testing. Allele origin: germline. Affected: yes.
Comment: This variant is considered likely benign or benign based on one or more of the following criteria: it is a conservative change, it occurs at a poorly conserved position in the protein, it is predicted to be benign by multiple in silico algorithms, and/or has population frequency not consistent with disease.

Breakthrough Genomics
Classification: Benign. Review status: criteria provided, single submitter. Criteria: ACMG Guidelines, 2015. Collection method: not provided. Allele origin: germline. Inheritance: X-linked inheritance. Affected: yes.

Molecular Genetics Laboratory, London Health Sciences Centre
Classification: Benign for Charcot-Marie-Tooth disease. Review status: criteria provided, single submitter. Criteria: ACMG Guidelines, 2015. Collection method: clinical testing. Allele origin: germline. Affected: yes.

Mayo Clinic Laboratories, Mayo Clinic
Classification: Benign. Last evaluated: 2016-03-11. Review status: no assertion criteria provided. Collection method: clinical testing. Allele origin: unknown. Not counted in ClinVar's aggregate classification.

NM_004208.4(AIFM1):c.996A>G (p.Gln332=)

Genes: RAB33A (RAB33A, member RAS oncogene family; plus strand), AIFM1 (apoptosis inducing factor mitochondria associated 1; minus strand). Cytogenetic location: Xq26.1.
Variant type: single nucleotide variant.
Coding change: c.996A>G on transcript NM_004208.4 (MANE Select); coding-DNA position 996, A replaced by G.
Protein change: p.Gln332=; no amino-acid change (glutamine 332 retained).
Molecular consequence: synonymous variant. On other transcripts: 5 prime UTR variant (1), 3 prime UTR variant (1), non-coding transcript variant (1).
Genome position (GRCh38, 1-based): chrX:130,137,157, T>C on the plus strand (A>G on the coding strand, the complement: AIFM1 is on the minus strand). VCF-style: chrX-130137157-T-C. GRCh37 (hg19) VCF-style: chrX-129271132-T-C.
Other names: p.Q332Q:CAA>CAG; c.-22A>G (NM_001130846.4); c.*224A>G (NM_001130847.4); c.984A>G, p.Gln328= (NM_145812.3).
Identifiers: ClinVar variation 136322 (VCV000136322.26), dbSNP rs12007545, ClinGen allele CA289331.